The following is an entry in ClinVar:

ClinVar aggregate classification (germline): Uncertain significance (0 of 4 stars; one submission).

Conditions:
ATP6V0A2-related disorder. Also called: ATP6V0A2-related condition.

gnomAD v4.1: 6 of 1,614,020 alleles (0.00037%); highest among the groups gnomAD compares: Middle Eastern, 0.016%; no homozygotes.

Submission:

PreventionGenetics, part of Exact Sciences
Classification: Uncertain significance for ATP6V0A2-related condition. Last evaluated: 2024-09-20. Review status: no assertion criteria provided. Collection method: clinical testing. Allele origin: germline.
Comment: The ATP6V0A2 c.1805T>C variant is predicted to result in the amino acid substitution p.Ile602Thr. To our knowledge, this variant has not been reported in the literature. This variant is reported in 0.0062% of alleles in individuals of African descent in gnomAD. At this time, the clinical significance of this variant is uncertain due to the absence of conclusive functional and genetic evidence.

NM_012463.4(ATP6V0A2):c.1805T>C (p.Ile602Thr)

Genes: ATP6V0A2 (ATPase H+ transporting V0 subunit a2; plus strand), LOC126861666 (CDK7 strongly-dependent group 2 enhancer GRCh37_chr12:124232793-124233992; plus strand). Cytogenetic location: 12q24.31.
Variant type: single nucleotide variant.
Coding change: c.1805T>C on transcript NM_012463.4 (MANE Select); coding-DNA position 1805, T replaced by C.
Protein change: p.Ile602Thr; replaces isoleucine 602 with threonine.
Molecular consequence: missense variant.
Genome position (GRCh38, 1-based): chr12:123,748,655, T>C. VCF-style: chr12-123748655-T-C. GRCh37 (hg19) VCF-style: chr12-124233202-T-C.
Other names: short protein forms I602T.
Identifiers: ClinVar variation 3348648 (VCV003348648.1).
Genomic context (GRCh38, chr12:123,748,655, plus strand): 5'-ACATTTACCTGGTTTCCATCCCGGAACTTCTCTTCATGCTCTGTATCTTTGGATACCTTA[T>C]ATTTATGATTTTCTACAAGTGGCTGGTTTTTTCAGCAGAAACCTCCAGAGTTGCTCCCAG-3'
Protein context (NP_036595.2, residues 592-612): LFMLCIFGYL[Ile602Thr]FMIFYKWLVF